The following is an entry in ClinVar:

NM_004612.4(TGFBR1):c.20C>T (p.Ala7Val)

Genes: TGFBR1 (transforming growth factor beta receptor 1; plus strand), LOC130002223 (ATAC-STARR-seq lymphoblastoid silent region 20124; plus strand). Cytogenetic location: 9q22.33.
Variant type: single nucleotide variant.
Coding change: c.20C>T on transcript NM_004612.4 (MANE Select); coding-DNA position 20, C replaced by T.
Protein change: p.Ala7Val; replaces alanine 7 with valine.
Molecular consequence: missense variant.
Genome position (GRCh38, 1-based): chr9:99,105,225, C>T. VCF-style: chr9-99105225-C-T. GRCh37 (hg19) VCF-style: chr9-101867507-C-T.
Other names: p.A7V:GCT>GTT; c.20C>T, p.Ala7Val (NM_001130916.3, NM_001306210.2); short protein forms A7V.
Identifiers: ClinVar variation 213860 (VCV000213860.14), dbSNP rs863223802, ClinGen allele CA321351.
Genomic context (GRCh38, chr9:99,105,225, plus strand): 5'-CGGCCGGGCCGGGCCGGGCCACAGGCGGTGGCGGCGGGACCATGGAGGCGGCGGTCGCTG[C>T]TCCGCGTCCCCGGCTGCTCCTCCTCGTGCTGGCGGCGGCGGCGGCGGCGGCGGCGGCGCT-3'
Protein context (NP_004603.1, residues 1-17): MEAAVA[Ala7Val]PRPRLLLLVL

ClinVar aggregate classification (germline): Conflicting classifications of pathogenicity. Review status: criteria provided, conflicting classifications (1 of 4 stars). 3 submissions from 3 submitters: Uncertain significance (2); Likely benign (1). Last evaluated 2025-08-17.

Conditions:
Familial thoracic aortic aneurysm and aortic dissection (TAAD). Also called: Thoracic aortic aneurysms and dissections. Identifiers: Orphanet 91387, MedGen C4707243, MONDO:0019625.

Allele frequency attached by ClinVar (database versions not stated): TOPMed 0.00005.
gnomAD v4.1: 9 of 1,076,616 alleles (0.00084%); highest among the groups gnomAD compares: Non-Finnish European, 0.0009%; no homozygotes.

Submissions (3):

Labcorp Genetics (formerly Invitae), Labcorp
Classification: Likely benign for Familial thoracic aortic aneurysm and aortic dissection. Last evaluated: 2025-08-17. Review status: criteria provided, single submitter. Criteria: Invitae Variant Classification Sherloc (09022015). Collection method: clinical testing. Allele origin: germline.

Blueprint Genetics
Classification: Uncertain significance. Last evaluated: 2023-12-04. Review status: criteria provided, single submitter. Criteria: ACMG Guidelines, 2015. Collection method: clinical testing. Allele origin: germline.

GeneDx
Classification: Uncertain significance. Last evaluated: 2022-06-09. Review status: criteria provided, single submitter. Criteria: GeneDx Variant Classification Process June 2021. Collection method: clinical testing. Allele origin: germline. Affected: yes.
Comment: Not observed at significant frequency in large population cohorts (gnomAD); In silico analysis supports that this missense variant does not alter protein structure/function; Has not been previously published as pathogenic or benign to our knowledge